The following is an entry in ClinVar:

ClinVar aggregate classification (germline): Uncertain significance. Review status: criteria provided, multiple submitters, no conflicts (2 of 4 stars). 2 submissions from 2 submitters: Uncertain significance (2). Last evaluated 2025-04-10.

Submissions (2):

Labcorp Genetics (formerly Invitae), Labcorp
Classification: Uncertain significance. Last evaluated: 2025-04-10. Review status: criteria provided, single submitter. Criteria: Invitae Variant Classification Sherloc (09022015). Collection method: clinical testing. Allele origin: germline.
Comment: This sequence change replaces serine, which is neutral and polar, with asparagine, which is neutral and polar, at codon 1352 of the TRIOBP protein (p.Ser1352Asn). This variant is present in population databases (rs762468216, gnomAD 0.04%). This variant has not been reported in the literature in individuals affected with TRIOBP-related conditions. An algorithm developed to predict the effect of missense changes on protein structure and function (PolyPhen-2) suggests that this variant is likely to be tolerated. In summary, the available evidence is currently insufficient to determine the role of this variant in disease. Therefore, it has been classified as a Variant of Uncertain Significance.

GeneDx
Classification: Uncertain significance. Last evaluated: 2024-10-01. Review status: criteria provided, single submitter. Criteria: GeneDx Variant Classification Process June 2021. Collection method: clinical testing. Allele origin: germline. Affected: yes.
Comment: In silico analysis indicates that this missense variant does not alter protein structure/function; Has not been previously published as pathogenic or benign to our knowledge

NM_001039141.3(TRIOBP):c.4055G>A (p.Ser1352Asn)

Gene: TRIOBP (TRIO and F-actin binding protein; plus strand). Cytogenetic location: 22q13.1.
Variant type: single nucleotide variant.
Coding change: c.4055G>A on transcript NM_001039141.3 (MANE Select); coding-DNA position 4055, G replaced by A.
Protein change: p.Ser1352Asn; replaces serine 1352 with asparagine.
Molecular consequence: missense variant.
Genome position (GRCh38, 1-based): chr22:37,733,405, G>A. VCF-style: chr22-37733405-G-A. GRCh37 (hg19) VCF-style: chr22-38129412-G-A.
Other names: short protein forms S1352N.
Identifiers: ClinVar variation 3776476 (VCV003776476.2).
Genomic context (GRCh38, chr22:37,733,405, plus strand): 5'-CACAGCAGCCCAGCCAAGGCCAGAGCCAACTTCTCCGAAGACAGTCCAGCCCTGCCCCCA[G>A]CAGGCAGGTGAGCACTGCCAGCTGTCTGGGGCCCCGCACCCCAAGGGGCGGCCACTGCCT-3'
Protein context (NP_001034230.1, residues 1342-1362): LLRRQSSPAP[Ser1352Asn]RQVTMLPAKQ